The following is an entry in ClinVar:

NM_000179.3(MSH6):c.2797T>C (p.Phe933Leu)

Gene: MSH6 (mutS homolog 6; plus strand). Cytogenetic location: 2p16.3.
Variant type: single nucleotide variant.
Coding change: c.2797T>C on transcript NM_000179.3 (MANE Select); coding-DNA position 2797, T replaced by C.
Protein change: p.Phe933Leu; replaces phenylalanine 933 with leucine.
Molecular consequence: missense variant.
Genome position (GRCh38, 1-based): chr2:47,800,780, T>C. VCF-style: chr2-47800780-T-C. GRCh37 (hg19) VCF-style: chr2-48027919-T-C.
Other names: c.2407T>C, p.Phe803Leu (NM_001281492.2); c.1891T>C, p.Phe631Leu (NM_001281493.2, NM_001281494.2); short protein forms F933L, F631L, F803L.
Identifiers: ClinVar variation 491918 (VCV000491918.16), dbSNP rs1553414155, ClinGen allele CA346755563.

ClinVar aggregate classification (germline): Uncertain significance. Review status: criteria provided, multiple submitters, no conflicts (2 of 4 stars). 4 submissions from 4 submitters: Uncertain significance (3). 1 of the submissions does not count toward it. Last evaluated 2023-12-05.

Conditions:
Lynch-like syndrome.
Hereditary nonpolyposis colorectal neoplasms. Identifiers: MedGen C0009405, MeSH D003123.
Hereditary cancer-predisposing syndrome. Also called: Hereditary neoplastic syndrome; Tumor predisposition; Hereditary Cancer Syndrome; Neoplastic Syndromes, Hereditary. Identifiers: Orphanet 140162, MedGen C0027672, MeSH D009386, MONDO:0015356.

Allele frequency attached by ClinVar (database versions not stated): gnomAD exomes below 0.00001.
gnomAD v4.1: 2 of 1,614,148 alleles (0.00012%); highest among the groups gnomAD compares: Non-Finnish European, 0.00017%; no homozygotes.

Submissions (4):

Color Diagnostics, LLC DBA Color Health
Classification: Uncertain significance for Hereditary cancer-predisposing syndrome. Last evaluated: 2023-12-05. Review status: criteria provided, single submitter. Criteria: ACMG Guidelines, 2015. Collection method: clinical testing. Allele origin: germline.
Comment: This missense variant replaces phenylalanine with leucine at codon 933 of the MSH6 protein. Computational prediction is inconclusive regarding the impact of this variant on protein structure and function (internally defined REVEL score threshold 0.5 < inconclusive < 0.7, PMID: 27666373). To our knowledge, functional studies have not been reported for this variant. This variant has not been reported in individuals affected with MSH6-related disorders in the literature. This variant has not been identified in the general population by the Genome Aggregation Database (gnomAD). The available evidence is insufficient to determine the role of this variant in disease conclusively. Therefore, this variant is classified as a Variant of Uncertain Significance.

Ambry Genetics
Classification: Uncertain significance for Hereditary cancer-predisposing syndrome. Last evaluated: 2023-10-04. Review status: criteria provided, single submitter. Criteria: Ambry Variant Classification Scheme 2023. Collection method: clinical testing. Allele origin: germline.
Comment: The p.F933L variant (also known as c.2797T>C), located in coding exon 4 of the MSH6 gene, results from a T to C substitution at nucleotide position 2797. The phenylalanine at codon 933 is replaced by leucine, an amino acid with highly similar properties. This amino acid position is highly conserved in available vertebrate species. In addition, this alteration is predicted to be deleterious by in silico analysis. Since supporting evidence is limited at this time, the clinical significance of this alteration remains unclear.

Labcorp Genetics (formerly Invitae), Labcorp
Classification: Uncertain significance for Hereditary nonpolyposis colorectal neoplasms. Last evaluated: 2023-04-28. Review status: criteria provided, single submitter. Criteria: Invitae Variant Classification Sherloc (09022015). Collection method: clinical testing. Allele origin: germline.
Comment: In summary, the available evidence is currently insufficient to determine the role of this variant in disease. Therefore, it has been classified as a Variant of Uncertain Significance. Advanced modeling of protein sequence and biophysical properties (such as structural, functional, and spatial information, amino acid conservation, physicochemical variation, residue mobility, and thermodynamic stability) performed at Invitae indicates that this missense variant is not expected to disrupt MSH6 protein function. ClinVar contains an entry for this variant (Variation ID: 491918). This variant has not been reported in the literature in individuals affected with MSH6-related conditions. This variant is not present in population databases (gnomAD no frequency). This sequence change replaces phenylalanine, which is neutral and non-polar, with leucine, which is neutral and non-polar, at codon 933 of the MSH6 protein (p.Phe933Leu).

Constitutional Genetics Lab, Leon Berard Cancer Center
Classification: Uncertain significance for Lynch-like syndrome. Last evaluated: 2019-07-01. Review status: no assertion criteria provided. Collection method: clinical testing. Allele origin: somatic. Affected: yes. Not counted in ClinVar's aggregate classification.